The following is an entry in ClinVar:

NM_004655.4(AXIN2):c.1176G>A (p.Glu392=)

Gene: AXIN2 (axin 2; minus strand). Cytogenetic location: 17q24.1.
Variant type: single nucleotide variant.
Coding change: c.1176G>A on transcript NM_004655.4 (MANE Select); coding-DNA position 1176, G replaced by A.
Protein change: p.Glu392=; no amino-acid change (glutamic acid 392 retained).
Molecular consequence: synonymous variant.
Genome position (GRCh38, 1-based): chr17:65,538,227, C>T on the plus strand (G>A on the coding strand, the complement: AXIN2 is on the minus strand). VCF-style: chr17-65538227-C-T. GRCh37 (hg19) VCF-style: chr17-63534345-C-T.
Other names: c.1176G>A (LRG_296t1); c.1176G>A, p.Glu392= (NM_001363813.1).
Identifiers: ClinVar variation 415200 (VCV000415200.23), dbSNP rs376052287, ClinGen allele CA8718842.

ClinVar aggregate classification (germline): Conflicting classifications of pathogenicity. Review status: criteria provided, conflicting classifications (1 of 4 stars). 6 submissions from 6 submitters: Uncertain significance (1); Benign (1); Likely benign (3). 1 of the submissions does not count toward it. Last evaluated 2026-01-05.

Conditions:
AXIN2-related disorder.
Hereditary cancer-predisposing syndrome. Also called: Tumor predisposition; Neoplastic Syndromes, Hereditary; Hereditary neoplastic syndrome; Hereditary Cancer Syndrome. Identifiers: Orphanet 140162, MedGen C0027672, MeSH D009386, MONDO:0015356.
Oligodontia-cancer predisposition syndrome. Also called: TOOTH AGENESIS-COLORECTAL CANCER SYNDROME. Identifiers: Orphanet 300576, MedGen C1837750, MONDO:0012075, OMIM 608615. Disease mechanism: loss of function.

Allele frequency attached by ClinVar (database versions not stated): gnomAD exomes 0.00001 and 0.00004; ExAC 0.00004; ESP Exome Variant Server 0.00008; gnomAD 0.00014; TOPMed 0.00017.

Submissions (6):

Labcorp Genetics (formerly Invitae), Labcorp
Classification: Likely benign for Oligodontia-cancer predisposition syndrome. Last evaluated: 2026-01-05. Review status: criteria provided, single submitter. Criteria: Invitae Variant Classification Sherloc (09022015). Collection method: clinical testing. Allele origin: germline.

Myriad Genetics, Inc.
Classification: Benign for Oligodontia-cancer predisposition syndrome. Last evaluated: 2024-07-01. Review status: criteria provided, single submitter. Criteria: Myriad Autosomal Dominant, Autosomal Recessive and X-Linked Classification Criteria (2023). Collection method: clinical testing. Allele origin: unknown.
Comment: This variant is considered benign. This variant is a silent/synonymous amino acid change and it is not expected to impact splicing.

GeneDx
Classification: Uncertain significance. Last evaluated: 2023-09-05. Review status: criteria provided, single submitter. Criteria: GeneDx Variant Classification Process June 2021. Collection method: clinical testing. Allele origin: germline. Affected: yes.
Comment: Has not been previously published as pathogenic or benign to our knowledge; In silico analysis supports that this variant does not alter splicing

Quest Diagnostics Nichols Institute San Juan Capistrano
Classification: Likely benign. Last evaluated: 2022-11-04. Review status: criteria provided, single submitter. Criteria: Quest Diagnostics criteria. Collection method: clinical testing. Allele origin: unknown.

Ambry Genetics
Classification: Likely benign for Hereditary cancer-predisposing syndrome. Last evaluated: 2019-05-13. Review status: criteria provided, single submitter. Criteria: Ambry Variant Classification Scheme 2023. Collection method: clinical testing. Allele origin: germline.

PreventionGenetics, part of Exact Sciences
Classification: Likely benign for AXIN2-related condition. Last evaluated: 2021-11-12. Review status: no assertion criteria provided. Collection method: clinical testing. Allele origin: germline. Not counted in ClinVar's aggregate classification.
Comment: This variant is classified as likely benign based on ACMG/AMP sequence variant interpretation guidelines (Richards et al. 2015 PMID: 25741868, with internal and published modifications).